The following is an entry in ClinVar:

NM_001009944.3(PKD1):c.7547G>C (p.Arg2516Pro)

Gene: PKD1 (polycystin 1, transient receptor potential channel interacting; minus strand). Cytogenetic location: 16p13.3.
Variant type: single nucleotide variant.
Coding change: c.7547G>C on transcript NM_001009944.3 (MANE Select); coding-DNA position 7547, G replaced by C.
Protein change: p.Arg2516Pro; replaces arginine 2516 with proline.
Molecular consequence: missense variant.
Genome position (GRCh38, 1-based): chr16:2,106,247, C>G on the plus strand (G>C on the coding strand, the complement: PKD1 is on the minus strand). VCF-style: chr16-2106247-C-G. GRCh37 (hg19) VCF-style: chr16-2156248-C-G.
Other names: c.7547G>C, p.Arg2516Pro (NM_000296.4); short protein forms R2516P.
Identifiers: ClinVar variation 4683137 (VCV004683137.1).

ClinVar aggregate classification (germline): Likely pathogenic (1 of 4 stars; one submission).

Conditions:
Cystic renal disease.

Submission:

Genetics Laboratory, Great Ormond Street Hospital NHS Foundation Trust, North Thames Genomic Laboratory Hub
Classification: Likely pathogenic for Cystic renal disease. Last evaluated: 2025-11-11. Review status: criteria provided, single submitter. Criteria: ACGS Best Practice Guidelines for Variant Classification in Rare Disease 2024 v1.2. Collection method: clinical testing. Allele origin: germline. Affected: yes.
Comment: PM2_moderate, PP3_supporting, PM5_moderate, PP4_supporting